The following is an entry in ClinVar:

ClinVar aggregate classification (germline): Uncertain significance (1 of 4 stars; one submission).

Submission:

Labcorp Genetics (formerly Invitae), Labcorp
Classification: Uncertain significance. Last evaluated: 2021-10-21. Review status: criteria provided, single submitter. Criteria: Invitae Variant Classification Sherloc (09022015). Collection method: clinical testing. Allele origin: germline.
Comment: This variant, c.790_810dup, results in the insertion of 7 amino acid(s) to the SLC19A1 protein (p.Arg264_Trp270dup), but otherwise preserves the integrity of the reading frame. In summary, the available evidence is currently insufficient to determine the role of this variant in disease. Therefore, it has been classified as a Variant of Uncertain Significance. Algorithms developed to predict the effect of sequence changes on RNA splicing suggest that this variant may create or strengthen a splice site. Experimental studies and prediction algorithms are not available or were not evaluated, and the functional significance of this variant is currently unknown. This variant has not been reported in the literature in individuals affected with SLC19A1-related conditions. This variant is not present in population databases (ExAC no frequency).

NM_194255.4(SLC19A1):c.790_810dup (p.Arg264_Trp270dup)

Gene: SLC19A1 (solute carrier family 19 member 1; minus strand). Cytogenetic location: 21q22.3.
Variant type: Duplication.
Coding change: c.790_810dup on transcript NM_194255.4 (MANE Select); coding-DNA positions 790 to 810, 21 bases duplicated (CGGCCGCAGCTGCGCCTGTGG).
Protein change: p.Arg264_Trp270dup.
Molecular consequence: inframe insertion.
Genome position (GRCh38, 1-based): chr21:45,531,528-45,531,548, CCACAGGCGCAGCTGCGGCCG duplicated on the plus strand (CGGCCGCAGCTGCGCCTGTGG on the coding strand, the reverse complement: SLC19A1 is on the minus strand); duplicating any 21 consecutive bases within chr21:45,531,528-45,531,550 gives the same sequence; the c. name uses the placement nearest the transcript's 3' end. VCF-style (leftmost placement, unchanged base first): chr21-45531527-A-ACCACAGGCGCAGCTGCGGCCG. GRCh37 (hg19) VCF-style: chr21-46951441-A-ACCACAGGCGCAGCTGCGGCCG.
Other names: c.790_810dup, p.Arg264_Trp270dup (NM_001205206.4, NM_001352511.3, NM_001352512.2); c.670_690dup, p.Arg224_Trp230dup (NM_001205207.3); c.436_456dup, p.Arg146_Trp152dup (NM_001352510.2).
Identifiers: ClinVar variation 1347303 (VCV001347303.6), dbSNP rs1299064599, ClinGen allele CA749765472.